The following is an entry in ClinVar:

NM_001348716.2(KDM6B):c.95C>T (p.Pro32Leu)

Gene: KDM6B (lysine demethylase 6B; plus strand). Cytogenetic location: 17p13.1.
Variant type: single nucleotide variant.
Coding change: c.95C>T on transcript NM_001348716.2 (MANE Select); coding-DNA position 95, C replaced by T.
Protein change: p.Pro32Leu; replaces proline 32 with leucine.
Molecular consequence: missense variant.
Genome position (GRCh38, 1-based): chr17:7,845,649, C>T. VCF-style: chr17-7845649-C-T. GRCh37 (hg19) VCF-style: chr17-7748967-C-T.
Other names: c.95C>T, p.Pro32Leu (NM_001080424.2); short protein forms P32L.
Identifiers: ClinVar variation 1302460 (VCV001302460.5), dbSNP rs753819960, ClinGen allele CA8360044.

ClinVar aggregate classification (germline): Conflicting classifications of pathogenicity. Review status: criteria provided, conflicting classifications (1 of 4 stars). 4 submissions from 4 submitters: Uncertain significance (3); Likely benign (1). Last evaluated 2025-09-22.

Conditions:
Inborn genetic diseases. Identifiers: MedGen C0950123, MeSH D030342.
Neurodevelopmental disorder with coarse facies and mild distal skeletal abnormalities. Also called: STOLERMAN NEURODEVELOPMENTAL SYNDROME. Identifiers: MedGen C5193134, MONDO:0032790, OMIM 618505.

Allele frequency attached by ClinVar (database versions not stated): ExAC 0.00001; gnomAD 0.00001; gnomAD exomes 0.00002; TOPMed 0.00002.
gnomAD v4.1: 54 of 1,614,040 alleles (0.0033%); highest among the groups gnomAD compares: East Asian, 0.0045%; no homozygotes.

Submissions (4):

Ambry Genetics
Classification: Uncertain significance for Inborn genetic diseases. Last evaluated: 2025-09-22. Review status: criteria provided, single submitter. Criteria: Ambry Variant Classification Scheme 2023. Collection method: clinical testing. Allele origin: germline.

Blueprint Genetics
Classification: Likely benign. Last evaluated: 2020-04-02. Review status: criteria provided, single submitter. Criteria: ACMG Guidelines, 2015. Collection method: clinical testing. Allele origin: germline.

GeneDx
Classification: Uncertain significance. Last evaluated: 2020-01-21. Review status: criteria provided, single submitter. Criteria: GeneDx Variant Classification Process June 2021. Collection method: clinical testing. Allele origin: germline. Affected: yes.
Comment: In silico analysis, which includes protein predictors and evolutionary conservation, supports that this variant does not alter protein structure/function

Neuberg Centre For Genomic Medicine, NCGM
Classification: Uncertain significance for Neurodevelopmental disorder with coarse facies and mild distal skeletal abnormalities. Review status: criteria provided, single submitter. Criteria: ACMG Guidelines, 2015. Collection method: clinical testing. Allele origin: germline. Inheritance: Autosomal dominant inheritance. Affected: yes.
Comment: The observed missense variant c.95C>T(p.Pro32Leu) in the KDM6B gene has not been reported previously as a pathogenic variant nor as a benign variant, to our knowledge. This variant is reported with the allele frequency 0.002% in the gnomAD Exomes. This variant has been reported to the ClinVar database as Uncertain Significance. However, no details are available for independent assessment. The amino acid Pro at position 32 is changed to a Leu changing protein sequence and it might alter its composition and physico- chemical properties. Multiple lines of computational evidence (Polyphen - Probably damaging, SIFT - Damaging and MutationTaster - Disease causing) predict a damaging effect on protein structure and function for this variant. The residue is conserved by GERP++ and PhyloP across 100 vertebrates. For these reasons, this variant has been classified as Uncertain Significance.